The following is an entry in ClinVar:

NM_001145252.3(CFP):c.88G>A (p.Val30Met)

Gene: CFP (complement factor properdin; minus strand). Cytogenetic location: Xp11.23.
Variant type: single nucleotide variant.
Coding change: c.88G>A on transcript NM_001145252.3 (MANE Select); coding-DNA position 88, G replaced by A.
Protein change: p.Val30Met; replaces valine 30 with methionine.
Molecular consequence: missense variant.
Genome position (GRCh38, 1-based): chrX:47,629,663, C>T on the plus strand (G>A on the coding strand, the complement: CFP is on the minus strand). VCF-style: chrX-47629663-C-T. GRCh37 (hg19) VCF-style: chrX-47489062-C-T.
Other names: c.88G>A, p.Val30Met (NM_002621.2); short protein forms V30M.
Identifiers: ClinVar variation 1543780 (VCV001543780.11), dbSNP rs138456565, ClinGen allele CA10399020.

ClinVar aggregate classification (germline): Benign/Likely benign. Review status: criteria provided, multiple submitters, no conflicts (2 of 4 stars). 3 submissions from 3 submitters: Benign (1); Likely benign (1). 1 of the submissions does not count toward it. Last evaluated 2026-01-11.

Conditions:
CFP-related disorder. Also called: CFP-related condition.

Allele frequency attached by ClinVar (database versions not stated): gnomAD 0.00013 and 0.00014; TOPMed 0.00013; gnomAD exomes 0.00020 and 0.00037; ExAC 0.00026; ESP Exome Variant Server 0.00029.
gnomAD v4.1: 170 of 520,037 alleles (0.033%); highest among the groups gnomAD compares: Middle Eastern, 0.26%; no homozygotes.

Submissions (3):

Labcorp Genetics (formerly Invitae), Labcorp
Classification: Benign. Last evaluated: 2026-01-11. Review status: criteria provided, single submitter. Criteria: Invitae Variant Classification Sherloc (09022015). Collection method: clinical testing. Allele origin: germline.

Blueprint Genetics
Classification: Likely benign. Last evaluated: 2024-09-23. Review status: criteria provided, single submitter. Criteria: ACMG Guidelines, 2015. Collection method: clinical testing. Allele origin: germline.

PreventionGenetics, part of Exact Sciences
Classification: Likely benign for CFP-related condition. Last evaluated: 2022-08-31. Review status: no assertion criteria provided. Collection method: clinical testing. Allele origin: germline. Not counted in ClinVar's aggregate classification.
Comment: This variant is classified as likely benign based on ACMG/AMP sequence variant interpretation guidelines (Richards et al. 2015 PMID: 25741868, with internal and published modifications).